The following is an entry in ClinVar:

ClinVar aggregate classification (germline): Uncertain significance. Review status: criteria provided, multiple submitters, no conflicts (2 of 4 stars). 2 submissions from 2 submitters: Uncertain significance (2). Last evaluated 2026-05-28.

Conditions:
Familial thoracic aortic aneurysm and aortic dissection (TAAD). Also called: Thoracic aortic aneurysms and dissections. Identifiers: Orphanet 91387, MedGen C4707243, MONDO:0019625.

Allele frequency attached by ClinVar (database versions not stated): TOPMed below 0.00001; gnomAD exomes 0.00001; ExAC 0.00002.
gnomAD v4.1: 3 of 1,614,134 alleles (0.00019%); highest among the groups gnomAD compares: Non-Finnish European, 0.00025%; no homozygotes.

Submissions (2):

Ambry Genetics
Classification: Uncertain significance for Familial thoracic aortic aneurysm and aortic dissection. Last evaluated: 2026-05-28. Review status: criteria provided, single submitter. Criteria: Ambry Variant Classification Scheme 2023. Collection method: clinical testing. Allele origin: germline.
Comment: The p.A87V variant (also known as c.260C>T), located in coding exon 2 of the SLC2A10 gene, results from a C to T substitution at nucleotide position 260. The alanine at codon 87 is replaced by valine, an amino acid with similar properties. This amino acid position is conserved. In addition, this alteration is predicted to be tolerated by in silico analysis. Based on the available evidence, the clinical significance of this variant remains unclear.

GeneDx
Classification: Uncertain significance. Last evaluated: 2019-11-25. Review status: criteria provided, single submitter. Criteria: GeneDx Variant Classification Process June 2021. Collection method: clinical testing. Allele origin: germline. Affected: yes.
Comment: Not observed at a significant frequency in large population cohorts (Lek et al., 2016); In silico analysis, which includes protein predictors and evolutionary conservation, supports that this variant does not alter protein structure/function; Has not been previously published as pathogenic or benign to our knowledge

NM_030777.4(SLC2A10):c.260C>T (p.Ala87Val)

Gene: SLC2A10 (solute carrier family 2 member 10; plus strand). Cytogenetic location: 20q13.12.
Variant type: single nucleotide variant.
Coding change: c.260C>T on transcript NM_030777.4 (MANE Select); coding-DNA position 260, C replaced by T.
Protein change: p.Ala87Val; replaces alanine 87 with valine.
Molecular consequence: missense variant.
Genome position (GRCh38, 1-based): chr20:46,725,296, C>T. VCF-style: chr20-46725296-C-T. GRCh37 (hg19) VCF-style: chr20-45353935-C-T.
Other names: short protein forms A87V.
Identifiers: ClinVar variation 1310531 (VCV001310531.3), dbSNP rs746966441, ClinGen allele CA9891943.